The following is an entry in ClinVar:

NM_182914.3(SYNE2):c.2549T>A (p.Met850Lys)

Gene: SYNE2 (spectrin repeat containing nuclear envelope protein 2; plus strand). Cytogenetic location: 14q23.2.
Variant type: single nucleotide variant.
Coding change: c.2549T>A on transcript NM_182914.3 (MANE Select); coding-DNA position 2549, T replaced by A.
Protein change: p.Met850Lys; replaces methionine 850 with lysine.
Molecular consequence: missense variant.
Genome position (GRCh38, 1-based): chr14:63,991,018, T>A. VCF-style: chr14-63991018-T-A. GRCh37 (hg19) VCF-style: chr14-64457736-T-A.
Other names: c.2549T>A, p.Met850Lys (NM_015180.6); short protein forms M850K.
Identifiers: ClinVar variation 4702436 (VCV004702436.1).

ClinVar aggregate classification (germline): Uncertain significance (1 of 4 stars; one submission).

Conditions:
Emery-Dreifuss muscular dystrophy 5, autosomal dominant (EDMD5). Also called: EMERY-DREIFUSS MUSCULAR DYSTROPHY 5. Identifiers: Orphanet 261, MedGen C2751805, MONDO:0013072, OMIM 612999.

gnomAD v4.1: 13 of 1,614,068 alleles (0.00081%); highest among the groups gnomAD compares: Non-Finnish European, 0.0011%; no homozygotes.

Submission:

Labcorp Genetics (formerly Invitae), Labcorp
Classification: Uncertain significance for Emery-Dreifuss muscular dystrophy 5, autosomal dominant. Last evaluated: 2025-04-17. Review status: criteria provided, single submitter. Criteria: Invitae Variant Classification Sherloc (09022015). Collection method: clinical testing. Allele origin: germline.
Comment: This sequence change replaces methionine, which is neutral and non-polar, with lysine, which is basic and polar, at codon 850 of the SYNE2 protein (p.Met850Lys). This variant is not present in population databases (gnomAD no frequency). This variant has not been reported in the literature in individuals affected with SYNE2-related conditions. An algorithm developed to predict the effect of missense changes on protein structure and function (PolyPhen-2) suggests that this variant is likely to be tolerated. In summary, the available evidence is currently insufficient to determine the role of this variant in disease. Therefore, it has been classified as a Variant of Uncertain Significance.